The following is an entry in ClinVar:

ClinVar aggregate classification (germline): Uncertain significance (1 of 4 stars; one submission).

Submission:

Labcorp Genetics (formerly Invitae), Labcorp
Classification: Uncertain significance. Last evaluated: 2025-10-07. Review status: criteria provided, single submitter. Criteria: Invitae Variant Classification Sherloc (09022015). Collection method: clinical testing. Allele origin: germline.
Comment: This sequence change falls in intron 2 of the TBC1D20 gene. It does not directly change the encoded amino acid sequence of the TBC1D20 protein. It affects a nucleotide within the consensus splice site. This variant is not present in population databases (gnomAD no frequency). This variant has not been reported in the literature in individuals affected with TBC1D20-related conditions. Variants that disrupt the consensus splice site are a relatively common cause of aberrant splicing (PMID: 17576681, 9536098). Algorithms developed to predict the effect of sequence changes on RNA splicing suggest that this variant is not likely to affect RNA splicing. In summary, the available evidence is currently insufficient to determine the role of this variant in disease. Therefore, it has been classified as a Variant of Uncertain Significance.

Literature cited by the submitters: PubMed 17576681; PubMed 9536098.

NM_144628.4(TBC1D20):c.256+5G>T

Gene: TBC1D20 (TBC1 domain family member 20; minus strand). Cytogenetic location: 20p13.
Variant type: single nucleotide variant.
Coding change: c.256+5G>T on transcript NM_144628.4 (MANE Select); 5 bases into the intron after coding-DNA position 256, G replaced by T.
Molecular consequence: intron variant.
Genome position (GRCh38, 1-based): chr20:447,884, C>A on the plus strand (G>T on the coding strand, the complement: TBC1D20 is on the minus strand). VCF-style: chr20-447884-C-A. GRCh37 (hg19) VCF-style: chr20-428528-C-A.
Identifiers: ClinVar variation 4804673 (VCV004804673.1).